The following is an entry in ClinVar:

NM_004780.3(TCEAL1):c.346G>A (p.Asp116Asn)

Gene: TCEAL1 (transcription elongation factor A like 1; plus strand). Cytogenetic location: Xq22.2.
Variant type: single nucleotide variant.
Coding change: c.346G>A on transcript NM_004780.3 (MANE Select); coding-DNA position 346, G replaced by A.
Protein change: p.Asp116Asn; replaces aspartic acid 116 with asparagine.
Molecular consequence: missense variant.
Genome position (GRCh38, 1-based): chrX:103,630,262, G>A. VCF-style: chrX-103630262-G-A. GRCh37 (hg19) VCF-style: chrX-102885190-G-A.
Other names: c.346G>A (NM_004780.2); c.346G>A, p.Asp116Asn (NM_001006639.2, NM_001006640.2); short protein forms D116N.
Identifiers: ClinVar variation 1700036 (VCV001700036.3), dbSNP rs1258382686, ClinGen allele CA414096188.
Genomic context (GRCh38, chrX:103,630,262, plus strand): 5'-AAGCTTGAAGAAGGAAGCTTTAAAGAAAGGTTGGCTCGTTCTCGCCCGCAATTTAGAGGG[G>A]ACATACATGGCAGAAATTTAAGCAATGAGGAGATGATACAGGCAGCAGATGAGCTAGAAG-3'
Protein context (NP_004771.2, residues 106-126): LARSRPQFRG[Asp116Asn]IHGRNLSNEE

ClinVar aggregate classification (germline): Uncertain significance. Review status: criteria provided, multiple submitters, no conflicts (2 of 4 stars). 2 submissions from 2 submitters: Uncertain significance (2). Last evaluated 2026-08-28.

Allele frequency attached by ClinVar (database versions not stated): gnomAD exomes below 0.00001 and 0.00001; TOPMed 0.00001; gnomAD 0.00002.

Submissions (2):

GeneDx
Classification: Uncertain significance. Last evaluated: 2026-08-28. Review status: criteria provided, single submitter. Criteria: GeneDx Variant Classification Process June 2021. Collection method: clinical testing. Allele origin: germline.
Comment: Reported in the hemizygous state in a patient with spastic paraparesis who did not have developmental delays or intellectual disability (PMID: 36368327); Not observed at significant frequency in large population cohorts (gnomAD); In silico analysis supports that this missense variant has a deleterious effect on protein structure/function; This variant is associated with the following publications: (PMID: 36368327)

Lupski Lab, Baylor-Hopkins CMG, Baylor College of Medicine
Classification: Uncertain significance. Last evaluated: 2022-08-02. Review status: criteria provided, single submitter. Criteria: ACMG Guidelines, 2015. Collection method: research. Allele origin: maternal. Inheritance: X-linked inheritance. Affected: yes. Observed: 1 variant allele.